The following is an entry in ClinVar:

ClinVar aggregate classification (germline): Pathogenic. Review status: criteria provided, multiple submitters, no conflicts (2 of 4 stars). 2 submissions from 2 submitters: Pathogenic (2). Last evaluated 2025-08-20.

Conditions:
Hereditary diffuse gastric adenocarcinoma (HDGC). Also called: DIFFUSE GASTRIC AND LOBULAR BREAST CANCER SYNDROME. Identifiers: Orphanet 26106, MedGen C1708349, MONDO:0007648, OMIM 137215.

Submissions (2):

Myriad Genetics, Inc.
Classification: Pathogenic for Hereditary diffuse gastric adenocarcinoma. Last evaluated: 2025-08-20. Review status: criteria provided, single submitter. Criteria: Myriad Autosomal Dominant, Autosomal Recessive and X-Linked Classification Criteria (2023). Collection method: clinical testing. Allele origin: unknown.
Comment: This variant is considered pathogenic. This variant creates a termination codon and is predicted to result in premature protein truncation.

Labcorp Genetics (formerly Invitae), Labcorp
Classification: Pathogenic. Last evaluated: 2024-04-04. Review status: criteria provided, single submitter. Criteria: Invitae Variant Classification Sherloc (09022015). Collection method: clinical testing. Allele origin: germline.
Comment: This sequence change creates a premature translational stop signal (p.Gln260*) in the CTNNA1 gene. It is expected to result in an absent or disrupted protein product. Loss-of-function variants in CTNNA1 are known to be pathogenic (PMID: 32051609, 34425242). This variant is not present in population databases (gnomAD no frequency). This variant has not been reported in the literature in individuals affected with CTNNA1-related conditions. ClinVar contains an entry for this variant (Variation ID: 956940). For these reasons, this variant has been classified as Pathogenic.

Literature cited by the submitters: PubMed 32051609 (cited by Labcorp Genetics (formerly Invitae), Labcorp); PubMed 34425242 (cited by Labcorp Genetics (formerly Invitae), Labcorp).

NM_001903.5(CTNNA1):c.778C>T (p.Gln260Ter)

Gene: CTNNA1 (catenin alpha 1; plus strand). Cytogenetic location: 5q31.2.
Variant type: single nucleotide variant.
Coding change: c.778C>T on transcript NM_001903.5 (MANE Select); coding-DNA position 778, C replaced by T.
Protein change: p.Gln260Ter; replaces glutamine 260 with a stop codon.
Molecular consequence: nonsense.
Genome position (GRCh38, 1-based): chr5:138,824,719, C>T. VCF-style: chr5-138824719-C-T. GRCh37 (hg19) VCF-style: chr5-138160408-C-T.
Other names: c.778C>T, p.Gln260Ter (NM_001290307.3, NM_001323982.2, NM_001323983.1 and 3 more transcripts); c.469C>T, p.Gln157Ter (NM_001290309.3); c.409C>T, p.Gln137Ter (NM_001290310.3); short protein forms Q157*, Q260*, Q137*.
Identifiers: ClinVar variation 956940 (VCV000956940.8), dbSNP rs1760465096, ClinGen allele CA361129990.
Genomic context (GRCh38, chr5:138,824,719, plus strand): 5'-AACAGGGACCTGATATACAAGCAGCTGCAGCAGGCGGTCACAGGCATTTCCAATGCAGCC[C>T]AGGCCACTGCCTCAGACGATGCCTCACAGCACCAGGGTGGAGGAGGAGGAGAACTGGCAT-3'